The following is an entry in ClinVar:

NM_001012720.2(RGR):c.454C>A (p.His152Asn)

Gene: RGR (retinal G protein coupled receptor; plus strand). Cytogenetic location: 10q23.1.
Variant type: single nucleotide variant.
Coding change: c.454C>A on transcript NM_001012720.2 (MANE Select); coding-DNA position 454, C replaced by A.
Protein change: p.His152Asn; replaces histidine 152 with asparagine.
Molecular consequence: missense variant.
Genome position (GRCh38, 1-based): chr10:84,252,952, C>A. VCF-style: chr10-84252952-C-A. GRCh37 (hg19) VCF-style: chr10-86012708-C-A.
Other names: c.454C>A, p.His152Asn (NM_001012722.2); c.466C>A, p.His156Asn (NM_002921.4); short protein forms H152N, H156N.
Identifiers: ClinVar variation 841913 (VCV000841913.15), dbSNP rs150808273, ClinGen allele CA5581444.

ClinVar aggregate classification (germline): Conflicting classifications of pathogenicity. Review status: criteria provided, conflicting classifications (1 of 4 stars). 6 submissions from 6 submitters: Uncertain significance (4); Likely benign (2). Last evaluated 2026-09-01.

Conditions:
Retinitis pigmentosa (RP). Identifiers: Orphanet 791, MedGen C0035334, MeSH D012174, MONDO:0019200, OMIM 268000. Inheritance: Autosomal dominant, autosomal recessive and X linked inheritance.
Retinal dystrophy. Also called: Inherited retinal dystrophy. Identifiers: Orphanet 71862, MedGen C0854723, MeSH D058499, MONDO:0019118, HP:0000556.

Allele frequency attached by ClinVar (database versions not stated): gnomAD exomes 0.00076; 1000 Genomes Project 0.00080; gnomAD 0.00080 and 0.00081; TOPMed 0.00086; ESP Exome Variant Server 0.00092; 1000 Genomes Project 30x 0.00125.
gnomAD v4.1: 1,847 of 1,614,090 alleles (0.11%); highest among the groups gnomAD compares: Non-Finnish European, 0.14%; 7 homozygotes.

Submissions (6):

CeGaT Center for Human Genetics Tuebingen
Classification: Likely benign. Last evaluated: 2026-09-01. Review status: criteria provided, single submitter. Criteria: CeGaT Center For Human Genetics Tuebingen Variant Classification Criteria Version 2. Collection method: clinical testing. Allele origin: germline. Affected: yes. Observed: 1 variant allele.
Comment: RGR: BP4

Labcorp Genetics (formerly Invitae), Labcorp
Classification: Uncertain significance. Last evaluated: 2025-12-20. Review status: criteria provided, single submitter. Criteria: Invitae Variant Classification Sherloc (09022015). Collection method: clinical testing. Allele origin: germline.
Comment: This sequence change replaces histidine, which is basic and polar, with asparagine, which is neutral and polar, at codon 152 of the RGR protein (p.His152Asn). This variant is present in population databases (rs150808273, gnomAD 0.1%), and has an allele count higher than expected for a pathogenic variant. This missense change has been observed in individual(s) with clinical features of inherited retinal disease (PMID: 10581022, 24265693, 31429209, 32483926). This variant is also known as His156Asn. ClinVar contains an entry for this variant (Variation ID: 841913). Experimental studies and prediction algorithms are not available or were not evaluated, and the functional significance of this variant is currently unknown. In summary, the available evidence is currently insufficient to determine the role of this variant in disease. Therefore, it has been classified as a Variant of Uncertain Significance.

Blueprint Genetics
Classification: Likely benign. Last evaluated: 2024-10-31. Review status: criteria provided, single submitter. Criteria: ACMG Guidelines, 2015. Collection method: clinical testing. Allele origin: germline.

Institute of Human Genetics, Univ. Regensburg, Univ. Regensburg
Classification: Uncertain significance for Retinal dystrophy. Last evaluated: 2023-01-01. Review status: criteria provided, single submitter. Criteria: ACMG Guidelines, 2015. Collection method: clinical testing. Allele origin: germline. Affected: yes.

Mendelics
Classification: Uncertain significance. Last evaluated: 2022-05-04. Review status: criteria provided, single submitter. Criteria: Mendelics Assertion Criteria 2019. Collection method: clinical testing. Allele origin: germline.

Illumina Laboratory Services, Illumina
Classification: Uncertain significance for Retinitis pigmentosa. Last evaluated: 2017-04-27. Review status: criteria provided, single submitter. Criteria: ICSL Variant Classification Criteria 13 December 2019. Collection method: clinical testing. Allele origin: germline.

Literature cited by the submitters: PubMed 10581022 (cited by Labcorp Genetics (formerly Invitae), Labcorp and Institute of Human Genetics, Univ. Regensburg, Univ. Regensburg); PubMed 24265693 (cited by Labcorp Genetics (formerly Invitae), Labcorp and Institute of Human Genetics, Univ. Regensburg, Univ. Regensburg); PubMed 31429209 (cited by Labcorp Genetics (formerly Invitae), Labcorp and Institute of Human Genetics, Univ. Regensburg, Univ. Regensburg); PubMed 32483926 (cited by Labcorp Genetics (formerly Invitae), Labcorp and Institute of Human Genetics, Univ. Regensburg, Univ. Regensburg); PubMed 22995991 (cited by Institute of Human Genetics, Univ. Regensburg, Univ. Regensburg); PubMed 34426522 (cited by Institute of Human Genetics, Univ. Regensburg, Univ. Regensburg).